The following is an entry in ClinVar:

ClinVar aggregate classification (germline): Uncertain significance (1 of 4 stars; one submission).

Conditions:
Inborn genetic diseases. Identifiers: MedGen C0950123, MeSH D030342.

Submission:

Ambry Genetics
Classification: Uncertain significance for Inborn genetic diseases. Last evaluated: 2025-01-05. Review status: criteria provided, single submitter. Criteria: Ambry Variant Classification Scheme 2023. Collection method: clinical testing. Allele origin: germline.
Comment: The p.L186V variant (also known as c.556C>G), located in coding exon 5 of the CEP57 gene, results from a C to G substitution at nucleotide position 556. The leucine at codon 186 is replaced by valine, an amino acid with highly similar properties. This amino acid position is conserved. In addition, the in silico prediction for this alteration is inconclusive. Based on the available evidence, the clinical significance of this variant remains unclear.

NM_014679.5(CEP57):c.556C>G (p.Leu186Val)

Gene: CEP57 (centrosomal protein 57; plus strand). Cytogenetic location: 11q21.
Variant type: single nucleotide variant.
Coding change: c.556C>G on transcript NM_014679.5 (MANE Select); coding-DNA position 556, C replaced by G.
Protein change: p.Leu186Val; replaces leucine 186 with valine.
Molecular consequence: missense variant.
Genome position (GRCh38, 1-based): chr11:95,817,838, C>G. VCF-style: chr11-95817838-C-G. GRCh37 (hg19) VCF-style: chr11-95551002-C-G.
Other names: c.529C>G, p.Leu177Val (NM_001243776.2); c.556C>G, p.Leu186Val (NM_001243777.2); c.475C>G, p.Leu159Val (NM_001363604.2); short protein forms L186V, L159V, L177V.
Identifiers: ClinVar variation 3831958 (VCV003831958.1).